The following is an entry in ClinVar:

NM_001130987.2(DYSF):c.240-159_345+1237del

Gene: DYSF (dysferlin; plus strand). Cytogenetic location: 2p13.2.
Variant type: Deletion.
Coding change: c.240-159_345+1237del on transcript NM_001130987.2 (MANE Select); 159 bases into the intron before coding-DNA position 240 through 1237 bases into the intron after coding-DNA position 345, 1,502 bases deleted.
Molecular consequence: splice acceptor variant, splice donor variant.
Genome position (GRCh38, 1-based): chr2:71,503,055-71,504,556, 1,502 bases deleted. GRCh37 (hg19): chr2:71,730,185-71,731,686.
Other names: NM_003494.4:c.237-159_342+1237del; c.237-159_342+1237del (NM_001130977.2, NM_001130976.2, NM_001130979.2 and 4 more transcripts); c.240-159_345+1237del (NM_001130982.2, NM_001130985.2, NM_001130983.2 and 3 more transcripts).
Identifiers: ClinVar variation 4056140 (VCV004056140.1).

ClinVar aggregate classification (germline): Pathogenic (3 of 4 stars; one submission).

Conditions:
Autosomal recessive limb-girdle muscular dystrophy. Identifiers: Orphanet 102015, MedGen C2931907, MONDO:0015152.

Submission:

ClinGen Limb Girdle Muscular Dystrophy Variant Curation Expert Panel, ClinGen
Classification: Pathogenic for Autosomal recessive limb-girdle muscular dystrophy. Last evaluated: 2025-04-11. Review status: reviewed by expert panel. Criteria: ClinGen LGMD VCEP ACMG Specifications DYSF V1.0.0. Collection method: curation. Allele origin: germline. Inheritance: Autosomal recessive inheritance.
Comment: The NC_000002.12: g.71503055_71504556del variant (GRCh38) is an intragenic deletion with intronic breakends that encompasses exon 4 of the DYSF gene, NM_003494.4: c.237_342del. RNAseq analysis has demonstrated that this variant results in skipping of exon 4, which is expected to lead to a frameshift, premature truncation (p.Phe80ProfsTer36), and nonsense mediated decay in a gene for which loss of function is a known disease mechanism (PMID: 36983702; PVS1_RNA). This variant has been reported in unknown phase with a pathogenic variant in an individual with LGMD (NM_003494.4: c.5698_5699del p.(Ser1900GlnfsTer14), 0.5 pts, PMID: 36983702) (PM3_Supporting). A similar deletion has also been reported in ClinVar (SCV003791359.2). No similar deletions are observed in gnomAD SVs or CNVs v4.1.0 or in the Database of Genomic Variants (PMID: 24174537; PM2_Supporting). In summary, this variant meets the criteria to be classified as Pathogenic for autosomal recessive limb girdle muscular dystrophy based on the ACMG/AMP criteria applied, as specified by the ClinGen LGMD VCEP (LGMD VCEP specifications version 1.0.0; 04/11/2025): PVS1_RNA, PM3_Supporting, PP4_Strong, PM2_Supporting.